The following is an entry in ClinVar:

NM_000203.5(IDUA):c.794G>A (p.Gly265Asp)

Gene: IDUA (alpha-L-iduronidase; plus strand). Cytogenetic location: 4p16.3.
Variant type: single nucleotide variant.
Coding change: c.794G>A on transcript NM_000203.5 (MANE Select); coding-DNA position 794, G replaced by A.
Protein change: p.Gly265Asp; replaces glycine 265 with aspartic acid.
Molecular consequence: missense variant. On other transcripts: non-coding transcript variant (1).
Genome position (GRCh38, 1-based): chr4:1,001,983, G>A. VCF-style: chr4-1001983-G-A. GRCh37 (hg19) VCF-style: chr4-995771-G-A.
Other names: NM_000203.5(IDUA):c.794G>A; p.Gly265Asp; c.398G>A, p.Gly133Asp (NM_001363576.1); c.794G>A (NM_000203.4); short protein forms G133D, G265D.
Identifiers: ClinVar variation 2203496 (VCV002203496.10), dbSNP rs931510421, ClinGen allele CA91168317.

ClinVar aggregate classification (germline): Uncertain significance. Review status: reviewed by expert panel (3 of 4 stars). 6 submissions from 6 submitters: Uncertain significance (1). 5 of the submissions do not count toward it. Last evaluated 2026-05-04.

Conditions:
Mucopolysaccharidosis type 1. Also called: IDUA deficiency; MPS I; Mucopolysaccharidosis Type I. Identifiers: Orphanet 579, MedGen C0023786, MONDO:0001586.

Allele frequency attached by ClinVar (database versions not stated): gnomAD 0.00001; TOPMed 0.00003; gnomAD exomes 0.00005.
gnomAD v4.1: 69 of 1,581,952 alleles (0.0044%); highest among the groups gnomAD compares: Non-Finnish European, 0.0058%; no homozygotes.

Submissions (6):

ClinGen Lysosomal Storage Disorder Variant Curation Expert Panel
Classification: Uncertain significance for Mucopolysaccharidosis type 1. Last evaluated: 2026-05-04. Review status: reviewed by expert panel. Criteria: ClinGen LSD ACMG Specifications IDUA V1.2.0. Collection method: curation. Allele origin: germline. Inheritance: Autosomal recessive inheritance.
Comment: The NM_000203.5:c.794G>A variant in IDUA is a missense variant predicted to cause substitution of Glycine by Aspartic Acid at amino acid 265 (p.Gly265Asp). One patient was found to be compound heterozygous, phase unconfirmed, for the variant and another variant in IDUA that is classified as pathogenic by the ClinGen LD VCEP, c.1205G>A (p.W402X) (ClinVarID: 11908) (PMID: 28752568, 0.5 point) (PM3_Supporting). The computational predictor REVEL gives a score of 0.833 which is above the threshold of 0.773, evidence that correlates with impact to IDUA function at the moderate level based on the specifications of the ClinGen Lysosomal Diseases VCEP (PMID: 36413997) (PP3_Moderate). The highest population minor allele frequency in gnomAD v4.1.0 is 0.00006 (68/1165814 alleles) in the Non-Finnish European population, which is lower than the ClinGen Lysosomal Diseases VCEP’s threshold for PM2_Supporting (<0.00025), meeting this criterion (PM2_Supporting). Another missense variant in the same codon, c.793G>C (p.Gly265Arg) (PMID: 31194252, PMID: 21394825, PMID: 17576681, PMID: 15300847, PMID: 9536098, ClinVar Variation ID: 638074) has been classified as likely pathogenic for MPS I by the ClinGen Lysosomal Diseases VCEP (PM5_Supporting). Expression of the variant in HEK293 cells resulted in a relative specific activity of 1.4% of wild type IDUA activity, and an intermediate level of processing score on Western blot indicating that this variant may impact protein function (PMID:39702574) (PS3_Supporting). In summary, this variant meets the criteria to be classified as a VUS for MPS I based on the IDUA-specific ACMG/AMP criteria applied, as specified by the ClinGen Lysosomal Diseases Variant Curation Expert Panel (Specifications Version 1.2.0): PM3_Supporting; PP3_Moderate; PM2_Supporting; PM5_Supporting; PS3_Supporting. (Classification approved by the ClinGen Lysosomal Diseases Variant Curation Expert Panel on May 4, 2026)

Myriad Genetics, Inc.
Classification: Likely pathogenic for Mucopolysaccharidosis type 1. Last evaluated: 2026-06-23. Review status: criteria provided, single submitter. Criteria: Myriad Autosomal Dominant, Autosomal Recessive and X-Linked Classification Criteria (2023). Collection method: clinical testing. Allele origin: unknown. Not counted in ClinVar's aggregate classification.
Comment: NM_000203.3(IDUA):c.794G>A(G265D) is a missense variant classified as likely pathogenic in the context of mucopolysaccharidosis type I. G265D has been observed in cases with relevant disease (PMID: 28752568, 40869962). Relevant functional assessments of this variant are available in the literature (PMID: 39702574). Internal structural analysis of the variant is supportive of pathogenicity. G265D has been observed in referenced population frequency databases. In summary, NM_000203.3(IDUA):c.794G>A(G265D) is a missense variant that has both functional and internal structural support for pathogenicity and has been observed more frequently in cases with the relevant disease than in healthy populations. Please note: this variant was assessed in the context of healthy population screening.

Natera, Inc.
Classification: Likely pathogenic for Mucopolysaccharidosis type I. Last evaluated: 2025-12-30. Review status: criteria provided, single submitter. Criteria: Natera Variant Classification Schema (03/2026). Collection method: clinical testing. Allele origin: germline. Not counted in ClinVar's aggregate classification.
Comment: The c.794G>A variant in IDUA is a missense variant predicted to cause substitution of glycine to aspartic acid at amino acid 265. This variant is rare in the general population with a frequency below the threshold expected for the associated phenotype(s). This variant has been observed in one or more individuals affected with the associated recessive disease, as either homozygous or compound heterozygous with a second variant (PMID: 28752568, 40869962). Functional studies show that this variant may disrupt protein function (PMID: 39702574). A different variant at the same position has been determined to be Pathogenic or Likely Pathogenic. Computational prediction algorithms indicate this variant is likely to affect gene or protein function. Given the available evidence, this variant is classified as Likely Pathogenic.

Labcorp Genetics (formerly Invitae), Labcorp
Classification: Likely pathogenic for Mucopolysaccharidosis type 1. Last evaluated: 2025-10-06. Review status: criteria provided, single submitter. Criteria: Invitae Variant Classification Sherloc (09022015). Collection method: clinical testing. Allele origin: germline. Not counted in ClinVar's aggregate classification.
Comment: This sequence change replaces glycine, which is neutral and non-polar, with aspartic acid, which is acidic and polar, at codon 265 of the IDUA protein (p.Gly265Asp). This variant is not present in population databases (gnomAD no frequency). This missense change has been observed in individual(s) with clinical features of mucopolysaccharidosis type I (PMID: 28752568). In at least one individual the data is consistent with being in trans (on the opposite chromosome) from a pathogenic variant. ClinVar contains an entry for this variant (Variation ID: 2203496). Invitae Evidence Modeling of protein sequence and biophysical properties (such as structural, functional, and spatial information, amino acid conservation, physicochemical variation, residue mobility, and thermodynamic stability) indicates that this missense variant is expected to disrupt IDUA protein function with a positive predictive value of 95%. In summary, the currently available evidence indicates that the variant is pathogenic, but additional data are needed to prove that conclusively. Therefore, this variant has been classified as Likely Pathogenic.

Blueprint Genetics
Classification: Uncertain significance. Last evaluated: 2024-08-29. Review status: criteria provided, single submitter. Criteria: ACMG Guidelines, 2015. Collection method: clinical testing. Allele origin: germline. Not counted in ClinVar's aggregate classification.

Revvity Omics, Revvity
Classification: Uncertain significance. Last evaluated: 2023-12-18. Review status: criteria provided, single submitter. Criteria: ACMG Guidelines, 2015. Collection method: clinical testing. Allele origin: germline. Not counted in ClinVar's aggregate classification.

Literature cited by the submitters: PubMed 28752568 (cited by 3 submitters); PubMed 39702574 (cited by Myriad Genetics, Inc. and Natera, Inc.); PubMed 40869962 (cited by Myriad Genetics, Inc. and Natera, Inc.).